The following is an entry in ClinVar:

NM_024496.4(IRF2BPL):c.2102del (p.Asn701fs)

Gene: IRF2BPL (interferon regulatory factor 2 binding protein like; minus strand). Cytogenetic location: 14q24.3.
Variant type: Deletion.
Coding change: c.2102del on transcript NM_024496.4 (MANE Select); coding-DNA position 2102, one base deleted (A; older notation c.2102delA).
Protein change: p.Asn701fs; shifts the reading frame from asparagine 701.
Molecular consequence: frameshift variant.
Genome position (GRCh38, 1-based): chr14:77,025,691, T deleted on the plus strand (A on the coding strand, the reverse complement: IRF2BPL is on the minus strand); the first of 4 consecutive T bases (chr14:77,025,691-77,025,694); deleting any one gives the same sequence. VCF-style (leftmost placement, unchanged base first): chr14-77025690-GT-G. GRCh37 (hg19) VCF-style: chr14-77492033-GT-G.
Other names: short protein forms N701fs.
Identifiers: ClinVar variation 1810609 (VCV001810609.3), dbSNP rs1885092046, ClinGen allele CA615486117.
Genomic context (GRCh38, chr14:77,025,690, plus strand): 5'-ACGTTCGTGGCAAATGGTGCAGCAGAGGGGTCCGCTGTTGGCCATGGGGGAATCCGGAAT[GT>G]TTTGGGGGTGCACTTGGTCCATGCCCGGGTGGGCGCTAGGCGGCGGGGGCGCCACCTGTA-3'

ClinVar aggregate classification (germline): Pathogenic. Review status: criteria provided, multiple submitters, no conflicts (2 of 4 stars). 2 submissions from 2 submitters: Pathogenic (2). Last evaluated 2023-08-16.

Conditions:
Neurodevelopmental disorder with regression, abnormal movements, loss of speech, and seizures. Identifiers: Orphanet 597623, MedGen C4748127, MONDO:0060759, OMIM 618088.

Submissions (2):

Institute of Human Genetics, University of Leipzig Medical Center
Classification: Pathogenic for Neurodevelopmental disorder with regression, abnormal movements, loss of speech, and seizures. Last evaluated: 2023-08-16. Review status: criteria provided, single submitter. Criteria: ACMG Guidelines, 2015. Collection method: clinical testing. Allele origin: unknown. Inheritance: Autosomal dominant inheritance. Affected: yes.
Comment: Criteria applied: PVS1,PS2_VSTR,PS4_MOD,PM2_SUP

GeneDx
Classification: Pathogenic. Last evaluated: 2022-07-08. Review status: criteria provided, single submitter. Criteria: GeneDx Variant Classification Process June 2021. Collection method: clinical testing. Allele origin: germline. Affected: yes.
Comment: Frameshift variant predicted to result in protein truncation, as the last 96 amino acids are replaced with 65 different amino acids, and other loss-of-function variants have been reported downstream in HGMD; Not observed at significant frequency in large population cohorts (gnomAD); This variant is associated with the following publications: (PMID: 25363768, 28191890, 31981491)